The following is an entry in ClinVar:

NM_198334.3(GANAB):c.2785C>T (p.Arg929Cys)

Gene: GANAB (glucosidase II alpha subunit; minus strand). Cytogenetic location: 11q12.3.
Variant type: single nucleotide variant.
Coding change: c.2785C>T on transcript NM_198334.3 (MANE Select); coding-DNA position 2785, C replaced by T.
Protein change: p.Arg929Cys; replaces arginine 929 with cysteine.
Molecular consequence: missense variant.
Genome position (GRCh38, 1-based): chr11:62,625,865, G>A on the plus strand (C>T on the coding strand, the complement: GANAB is on the minus strand). VCF-style: chr11-62625865-G-A. GRCh37 (hg19) VCF-style: chr11-62393337-G-A.
Other names: c.2509C>T, p.Arg837Cys (NM_001278192.2); c.2443C>T, p.Arg815Cys (NM_001278193.2); c.2494C>T, p.Arg832Cys (NM_001278194.2, NM_001329222.2, NM_001329223.2); c.2062C>T, p.Arg688Cys (NM_001329224.2, NM_001329225.2); c.2851C>T, p.Arg951Cys (NM_198335.4); short protein forms R815C, R688C, R951C, R832C, R837C, R929C.
Identifiers: ClinVar variation 1905310 (VCV001905310.5), dbSNP rs1190900041, ClinGen allele CA380984782.

ClinVar aggregate classification (germline): Uncertain significance (1 of 4 stars; one submission).

Allele frequency attached by ClinVar (database versions not stated): gnomAD exomes 0.00001.
gnomAD v4.1: 9 of 1,613,652 alleles (0.00056%); highest among the groups gnomAD compares: South Asian, 0.0033%; no homozygotes.

Submission:

Labcorp Genetics (formerly Invitae), Labcorp
Classification: Uncertain significance. Last evaluated: 2022-08-02. Review status: criteria provided, single submitter. Criteria: Invitae Variant Classification Sherloc (09022015). Collection method: clinical testing. Allele origin: germline.
Comment: In summary, the available evidence is currently insufficient to determine the role of this variant in disease. Therefore, it has been classified as a Variant of Uncertain Significance. Algorithms developed to predict the effect of missense changes on protein structure and function are either unavailable or do not agree on the potential impact of this missense change (SIFT: "Deleterious"; PolyPhen-2: "Probably Damaging"; Align-GVGD: "Class C0"). This variant has not been reported in the literature in individuals affected with GANAB-related conditions. This variant is present in population databases (no rsID available, gnomAD 0.003%). This sequence change replaces arginine, which is basic and polar, with cysteine, which is neutral and slightly polar, at codon 951 of the GANAB protein (p.Arg951Cys).